The following is an entry in ClinVar:

NM_001291415.2(KDM6A):c.4243C>T (p.Arg1415Ter)

Gene: KDM6A (lysine demethylase 6A; plus strand). Cytogenetic location: Xp11.3.
Variant type: single nucleotide variant.
Coding change: c.4243C>T on transcript NM_001291415.2 (MANE Select); coding-DNA position 4243, C replaced by T.
Protein change: p.Arg1415Ter; replaces arginine 1415 with a stop codon.
Molecular consequence: nonsense. On other transcripts: non-coding transcript variant (1).
Genome position (GRCh38, 1-based): chrX:45,110,160, C>T. VCF-style: chrX-45110160-C-T. GRCh37 (hg19) VCF-style: chrX-44969405-C-T.
Other names: c.4108C>T, p.Arg1370Ter (NM_001291416.2); c.3952C>T, p.Arg1318Ter (NM_001291417.2); c.3850C>T, p.Arg1284Ter (NM_001291418.2); c.3199C>T, p.Arg1067Ter (NM_001291421.2); c.3985C>T, p.Arg1329Ter (NM_001410742.1); c.4087C>T, p.Arg1363Ter (NM_021140.4); short protein forms R1318*, R1284*, R1370*, R1067*, R1329*, R1363*, R1415*.
Identifiers: ClinVar variation 1878500 (VCV001878500.4), dbSNP rs2046713136, ClinGen allele CA412777227.
Genomic context (GRCh38, chrX:45,110,160, plus strand): 5'-TTTGTCACTAATGAGAGTAATTCACGAAAGACCTACATAGTACATTGCCAAGATTGTGCA[C>T]GAAAAACAAGCGGAAACTTGGAAAACTTTGTGGTGCTAGAACAGTACAAAATGGAGGACC-3'

ClinVar aggregate classification (germline): Pathogenic/Likely pathogenic. Review status: criteria provided, multiple submitters, no conflicts (2 of 4 stars). 2 submissions from 2 submitters: Pathogenic (1); Likely pathogenic (1). Last evaluated 2025-08-12.

Conditions:
Kabuki syndrome 2 (KABUK2). Also called: KDM6A-Related Kabuki Syndrome. Identifiers: Orphanet 2322, MedGen C3275495, MONDO:0010465, OMIM 300867.

Submissions (2):

Labcorp Genetics (formerly Invitae), Labcorp
Classification: Pathogenic for Kabuki syndrome 2. Last evaluated: 2025-08-12. Review status: criteria provided, single submitter. Criteria: Invitae Variant Classification Sherloc (09022015). Collection method: clinical testing. Allele origin: germline.
Comment: This sequence change creates a premature translational stop signal (p.Arg1363*) in the KDM6A gene. It is expected to result in an absent or disrupted protein product. Loss-of-function variants in KDM6A are known to be pathogenic (PMID: 23076834, 23913813). This variant is not present in population databases (gnomAD no frequency). This premature translational stop signal has been observed in individual(s) with clinical features of KDM6A-related conditions (PMID: 26633542, 33057194). ClinVar contains an entry for this variant (Variation ID: 1878500). For these reasons, this variant has been classified as Pathogenic.

Genomics, Genetics and Epigenetics Laboratory, Medical College of Wisconsin
Classification: Likely pathogenic for Kabuki syndrome 2. Last evaluated: 2023-01-13. Review status: criteria provided, single submitter. Criteria: ACMG Guidelines, 2015. Collection method: research. Allele origin: unknown. Affected: yes.

Literature cited by the submitters: PubMed 23076834 (cited by Labcorp Genetics (formerly Invitae), Labcorp); PubMed 23913813 (cited by Labcorp Genetics (formerly Invitae), Labcorp); PubMed 26633542 (cited by Labcorp Genetics (formerly Invitae), Labcorp); PubMed 33057194 (cited by Labcorp Genetics (formerly Invitae), Labcorp); PubMed 36672956 (cited by Genomics, Genetics and Epigenetics Laboratory, Medical College of Wisconsin).